The following is an entry in ClinVar:

ClinVar aggregate classification (germline): Likely benign (1 of 4 stars; one submission).

Submission:

CeGaT Center for Human Genetics Tuebingen
Classification: Likely benign. Last evaluated: 2026-04-01. Review status: criteria provided, single submitter. Criteria: CeGaT Center For Human Genetics Tuebingen Variant Classification Criteria Version 2. Collection method: clinical testing. Allele origin: germline. Affected: yes. Observed: 2 variant alleles.
Comment: NLRC4: PM2:Supporting, BP4, BP7

NM_001199138.2(NLRC4):c.1533A>C (p.Ala511=)

Gene: NLRC4 (NLR family CARD domain containing 4; minus strand). Cytogenetic location: 2p22.3.
Variant type: single nucleotide variant.
Coding change: c.1533A>C on transcript NM_001199138.2 (MANE Select); coding-DNA position 1533, A replaced by C.
Protein change: p.Ala511=; no amino-acid change (alanine 511 retained).
Molecular consequence: synonymous variant. On other transcripts: intron variant (1).
Genome position (GRCh38, 1-based): chr2:32,250,331, T>G on the plus strand (A>C on the coding strand, the complement: NLRC4 is on the minus strand). VCF-style: chr2-32250331-T-G. GRCh37 (hg19) VCF-style: chr2-32475400-T-G.
Other names: c.1533A>C, p.Ala511= (NM_001199139.2, NM_021209.5); c.262+2088A>C (NM_001302504.1).
Identifiers: ClinVar variation 3388804 (VCV003388804.14).